The following is an entry in ClinVar:

ClinVar aggregate classification (germline): Uncertain significance (1 of 4 stars; one submission).

Conditions:
Gorlin syndrome. Also called: Basal cell nevus syndrome; Nevoid Basal Cell Carcinoma Syndrome. Identifiers: Orphanet 377, MedGen C0004779, MONDO:0007187.

gnomAD v4.1: 4 of 1,614,094 alleles (0.00025%); highest among the groups gnomAD compares: Non-Finnish European, 0.00034%; no homozygotes.

Submission:

Labcorp Genetics (formerly Invitae), Labcorp
Classification: Uncertain significance for Gorlin syndrome. Last evaluated: 2023-08-16. Review status: criteria provided, single submitter. Criteria: Invitae Variant Classification Sherloc (09022015). Collection method: clinical testing. Allele origin: germline.
Comment: This sequence change creates a premature translational stop signal (p.Tyr749*) in the PTCH2 gene. It is expected to result in an absent or disrupted protein product. However, the current clinical and genetic evidence is not sufficient to establish whether loss-of-function variants in PTCH2 cause disease. In summary, the available evidence is currently insufficient to determine the role of this variant in disease. Therefore, it has been classified as a Variant of Uncertain Significance. ClinVar contains an entry for this variant (Variation ID: 1519760). This variant has not been reported in the literature in individuals affected with PTCH2-related conditions. This variant is not present in population databases (gnomAD no frequency).

NM_003738.5(PTCH2):c.2247C>A (p.Tyr749Ter)

Gene: PTCH2 (patched 2; minus strand). Cytogenetic location: 1p34.1.
Variant type: single nucleotide variant.
Coding change: c.2247C>A on transcript NM_003738.5 (MANE Select); coding-DNA position 2247, C replaced by A.
Protein change: p.Tyr749Ter; replaces tyrosine 749 with a stop codon.
Molecular consequence: nonsense.
Genome position (GRCh38, 1-based): chr1:44,827,526, G>T on the plus strand (C>A on the coding strand, the complement: PTCH2 is on the minus strand). VCF-style: chr1-44827526-G-T. GRCh37 (hg19) VCF-style: chr1-45293198-G-T.
Other names: c.2247C>A, p.Tyr749Ter (NM_001166292.2); short protein forms Y749*.
Identifiers: ClinVar variation 1519760 (VCV001519760.6), dbSNP rs779837932, ClinGen allele CA340096482.
Genomic context (GRCh38, chr1:44,827,526, plus strand): 5'-CACCGCCTTGAGGGAACTGAAGCGCTGGTGCAGATCAAAGAGGGCGCGTTGGGAGTGGGC[G>T]TAGTCAAAGCCACCCTGGGTCACCAGGGCCACCTCGTACAGGGAGAAGTACCTGAGCTGG-3'